The following is an entry in ClinVar:

NM_001852.4(COL9A2):c.1222A>T (p.Lys408Ter)

Gene: COL9A2 (collagen type IX alpha 2 chain; minus strand). Cytogenetic location: 1p34.2.
Variant type: single nucleotide variant.
Coding change: c.1222A>T on transcript NM_001852.4 (MANE Select); coding-DNA position 1222, A replaced by T.
Protein change: p.Lys408Ter; replaces lysine 408 with a stop codon.
Molecular consequence: nonsense.
Genome position (GRCh38, 1-based): chr1:40,304,385, T>A on the plus strand (A>T on the coding strand, the complement: COL9A2 is on the minus strand). VCF-style: chr1-40304385-T-A. GRCh37 (hg19) VCF-style: chr1-40770057-T-A.
Other names: short protein forms K408*.
Identifiers: ClinVar variation 1389283 (VCV001389283.6), dbSNP rs2124053916, ClinGen allele CA339881630.

ClinVar aggregate classification (germline): Pathogenic (1 of 4 stars; one submission).

Submission:

Labcorp Genetics (formerly Invitae), Labcorp
Classification: Pathogenic. Last evaluated: 2022-03-02. Review status: criteria provided, single submitter. Criteria: Invitae Variant Classification Sherloc (09022015). Collection method: clinical testing. Allele origin: germline.
Comment: This variant is not present in population databases (gnomAD no frequency). For these reasons, this variant has been classified as Pathogenic. This variant has not been reported in the literature in individuals affected with COL9A2-related conditions. This sequence change creates a premature translational stop signal (p.Lys408*) in the COL9A2 gene. It is expected to result in an absent or disrupted protein product. Loss-of-function variants in COL9A2 are known to be pathogenic (PMID: 21671392, 33356723).

Literature cited by the submitters: PubMed 21671392; PubMed 33356723.